The following is an entry in ClinVar:

ClinVar aggregate classification (germline): Conflicting classifications of pathogenicity. Review status: criteria provided, conflicting classifications (1 of 4 stars). 7 submissions from 7 submitters: Uncertain significance (4); Likely benign (3). Last evaluated 2025-11-08.

Conditions:
Hereditary cancer-predisposing syndrome. Also called: Tumor predisposition; Neoplastic Syndromes, Hereditary; Hereditary Cancer Syndrome; Hereditary neoplastic syndrome. Identifiers: Orphanet 140162, MedGen C0027672, MeSH D009386, MONDO:0015356.
Hereditary diffuse gastric adenocarcinoma (HDGC). Also called: DIFFUSE GASTRIC AND LOBULAR BREAST CANCER SYNDROME. Identifiers: Orphanet 26106, MedGen C1708349, MONDO:0007648, OMIM 137215.

Allele frequency attached by ClinVar (database versions not stated): ExAC 0.00001.
gnomAD v4.1: 12 of 1,613,836 alleles (0.00074%); highest among the groups gnomAD compares: Middle Eastern, 0.016%; no homozygotes.

Submissions (7):

Labcorp Genetics (formerly Invitae), Labcorp
Classification: Likely benign for Hereditary diffuse gastric adenocarcinoma. Last evaluated: 2025-11-08. Review status: criteria provided, single submitter. Criteria: Invitae Variant Classification Sherloc (09022015). Collection method: clinical testing. Allele origin: germline.

Myriad Genetics, Inc.
Classification: Likely benign for Hereditary diffuse gastric adenocarcinoma. Last evaluated: 2024-09-18. Review status: criteria provided, single submitter. Criteria: Myriad Autosomal Dominant, Autosomal Recessive and X-Linked Classification Criteria (2023). Collection method: clinical testing. Allele origin: unknown.
Comment: This variant is considered likely benign. This variant is intronic and is not expected to impact mRNA splicing.

Quest Diagnostics Nichols Institute San Juan Capistrano
Classification: Uncertain significance. Last evaluated: 2024-08-20. Review status: criteria provided, single submitter. Criteria: Quest Diagnostics criteria. Collection method: clinical testing. Allele origin: unknown.
Comment: The CDH1 c.1137+9A>G variant has been reported in the published literature in an individual with a personal history of cancer (PMID: 36436516 (2023)). The frequency of this variant in the general population, 0.000012 (3/251452 chromosomes (Genome Aggregation Database)), is uninformative in the assessment of its pathogenicity. Analysis of this variant using software algorithms for the prediction of the effect of nucleotide changes on splicing yielded predictions that this variant does not affect CDH1 mRNA splicing. Based on the available information, we are unable to determine the clinical significance of this variant.

Color Diagnostics, LLC DBA Color Health
Classification: Uncertain significance for Hereditary cancer-predisposing syndrome. Last evaluated: 2024-01-17. Review status: criteria provided, single submitter. Criteria: ACMG Guidelines, 2015. Collection method: clinical testing. Allele origin: germline.
Comment: This variant causes an A to G nucleotide substitution at the +9 position of intron 8 of the CDH1 gene. Splice site prediction tools suggest that this variant may not impact RNA splicing. To our knowledge, functional studies have not been reported for this variant. This variant has been reported in an individual affected with an unspecified cancer that was not diffuse gastric or lobular breast cancer (PMID: 36436516). This variant has been identified in 3/251452 chromosomes in the general population by the Genome Aggregation Database (gnomAD). The available evidence is insufficient to determine the role of this variant in disease conclusively. Therefore, this variant is classified as a Variant of Uncertain Significance.

European Reference Network on Genetic Tumour Risk Syndromes (ERN-GENTURIS), i3s - Instituto de Investigação e Inovação em Saúde, University of Porto
Classification: Uncertain significance for Hereditary diffuse gastric adenocarcinoma. Last evaluated: 2022-08-01. Review status: criteria provided, single submitter. Criteria: Lee et al. (Hum Mutat. 2018). Collection method: clinical testing. Allele origin: germline. Inheritance: Autosomal dominant inheritance. Affected: no. Study: ERN GENTURIS.
Comment: Not applicable criteria (PMID: 30311375)

GeneDx
Classification: Likely benign. Last evaluated: 2017-10-13. Review status: criteria provided, single submitter. Criteria: GeneDx Variant Classification (06012015). Collection method: clinical testing. Allele origin: germline. Affected: yes.
Comment: This variant is considered likely benign or benign based on one or more of the following criteria: it is a conservative change, it occurs at a poorly conserved position in the protein, it is predicted to be benign by multiple in silico algorithms, and/or has population frequency not consistent with disease.

Ambry Genetics
Classification: Uncertain significance for Hereditary cancer-predisposing syndrome. Last evaluated: 2015-03-13. Review status: criteria provided, single submitter. Criteria: Ambry Variant Classification Scheme 2023. Collection method: clinical testing. Allele origin: germline.
Comment: The c.1137+9A>G intronic alteration consists of a A to G substitution nucleotides after coding exon 8 in the CDH1 gene. Based on insufficient or conflicting evidence, the clinical significance of this alteration remains unclear.

Literature cited by the submitters: PubMed 36436516 (cited by 3 submitters).

NM_004360.5(CDH1):c.1137+9A>G

Gene: CDH1 (cadherin 1; plus strand). Cytogenetic location: 16q22.1.
Variant type: single nucleotide variant.
Coding change: c.1137+9A>G on transcript NM_004360.5 (MANE Select); 9 bases into the intron after coding-DNA position 1137, A replaced by G.
Molecular consequence: intron variant.
Genome position (GRCh38, 1-based): chr16:68,812,272, A>G. VCF-style: chr16-68812272-A-G. GRCh37 (hg19) VCF-style: chr16-68846175-A-G.
Other names: c.1137+9A>G (LRG_301t1, NM_001317184.2); c.-479+9A>G (NM_001317185.2); c.-683+9A>G (NM_001317186.2).
Identifiers: ClinVar variation 406668 (VCV000406668.17), dbSNP rs780705655, ClinGen allele CA8129998.